The following is an entry in ClinVar:

NM_004519.4(KCNQ3):c.*3897C>G

Gene: KCNQ3 (potassium voltage-gated channel subfamily Q member 3; minus strand). Cytogenetic location: 8q24.22.
Variant type: single nucleotide variant.
Coding change: c.*3897C>G on transcript NM_004519.4 (MANE Select); 3897 bases downstream of the stop codon, C replaced by G.
Molecular consequence: 3 prime UTR variant.
Genome position (GRCh38, 1-based): chr8:132,125,365, G>C on the plus strand (C>G on the coding strand, the complement: KCNQ3 is on the minus strand). VCF-style: chr8-132125365-G-C. GRCh37 (hg19) VCF-style: chr8-133137612-G-C.
Other names: c.*3897C>G (NM_001204824.2).
Identifiers: ClinVar variation 361816 (VCV000361816.6), dbSNP rs191691741, ClinGen allele CA10624749.
Genomic context (GRCh38, chr8:132,125,365, plus strand): 5'-TTCAATTTTCTATAGTTTCCAAGCTAGGAAGCATTTCTGTCTGTATAGAGTTGTTTGCAG[G>C]GATGAAATCAGGTATTTTATTTTCCTGGTAGACATAGTTTGAAGGGACCTCTGATGTTTG-3'

ClinVar aggregate classification (germline): Benign (1 of 4 stars; one submission).

Conditions:
Seizures, benign familial neonatal, 2. Also called: CONVULSIONS, BENIGN FAMILIAL NEONATAL, 2; KCNQ3-Related Self-Limited Familial Neonatal Epilepsy (SLFNE); Benign Neonatal Epilepsy 2; KCNQ3-Related Benign Familial Neonatal Epilepsy; Seizures, benign neonatal, 2. Identifiers: Orphanet 1949, MedGen C1852581, MONDO:0007366, OMIM 121201.

Allele frequency attached by ClinVar (database versions not stated): 1000 Genomes Project 30x 0.00031; 1000 Genomes Project 0.00040; gnomAD 0.00156 and 0.00166; TOPMed 0.00094; gnomAD exomes 0.50000.
gnomAD v4.1: 238 of 152,208 alleles (0.16%); highest among the groups gnomAD compares: Non-Finnish European, 0.2%; no homozygotes.

Submission:

Illumina Laboratory Services, Illumina
Classification: Benign for Seizures, benign familial neonatal, 2. Last evaluated: 2018-01-13. Review status: criteria provided, single submitter. Criteria: ICSL Variant Classification Criteria 13 December 2019. Collection method: clinical testing. Allele origin: germline.
Comment: This variant was observed in the ICSL laboratory as part of a predisposition screen in an ostensibly healthy population. It had not been previously curated by ICSL or reported in the Human Gene Mutation Database (HGMD: prior to June 1st, 2018), and was therefore a candidate for classification through an automated scoring system. Utilizing variant allele frequency, disease prevalence and penetrance estimates, and inheritance mode, an automated score was calculated to assess if this variant is too frequent to cause the disease. Based on the score and internal cut-off values, a variant classified as benign is not then subjected to further curation. The score for this variant resulted in a classification of benign for this disease.